The following is an entry in ClinVar:

NM_001184.4(ATR):c.2746G>A (p.Ala916Thr)

Gene: ATR (ATR checkpoint kinase; minus strand). Cytogenetic location: 3q23.
Variant type: single nucleotide variant.
Coding change: c.2746G>A on transcript NM_001184.4 (MANE Select); coding-DNA position 2746, G replaced by A.
Protein change: p.Ala916Thr; replaces alanine 916 with threonine.
Molecular consequence: missense variant.
Genome position (GRCh38, 1-based): chr3:142,553,286, C>T on the plus strand (G>A on the coding strand, the complement: ATR is on the minus strand). VCF-style: chr3-142553286-C-T. GRCh37 (hg19) VCF-style: chr3-142272128-C-T.
Other names: c.2554G>A, p.Ala852Thr (NM_001354579.2); short protein forms A916T, A852T.
Identifiers: ClinVar variation 1795491 (VCV001795491.2), dbSNP rs2108462189, ClinGen allele CA354814489.

ClinVar aggregate classification (germline): Uncertain significance (1 of 4 stars; one submission).

Conditions:
Inborn genetic diseases. Identifiers: MedGen C0950123, MeSH D030342.

Submission:

Ambry Genetics
Classification: Uncertain significance for Inborn genetic diseases. Last evaluated: 2021-11-21. Review status: criteria provided, single submitter. Criteria: Ambry Variant Classification Scheme 2023. Collection method: clinical testing. Allele origin: germline.
Comment: The p.A916T variant (also known as c.2746G>A), located in coding exon 13 of the ATR gene, results from a G to A substitution at nucleotide position 2746. The alanine at codon 916 is replaced by threonine, an amino acid with similar properties. This amino acid position is conserved. In addition, this alteration is predicted to be tolerated by in silico analysis. Since supporting evidence is limited at this time, the clinical significance of this alteration remains unclear.